The following is an entry in ClinVar:

ClinVar aggregate classification (germline): Uncertain significance (1 of 4 stars; one submission).

Conditions:
Glycogen storage disease IXb (GSD9B). Also called: GLYCOGENOSIS OF LIVER AND MUSCLE, AUTOSOMAL RECESSIVE; GSD IXb; PHOSPHORYLASE KINASE DEFICIENCY OF LIVER AND MUSCLE, AUTOSOMAL RECESSIVE. Identifiers: Orphanet 79240, MedGen C0543514, MONDO:0009868, OMIM 261750.

Allele frequency attached by ClinVar (database versions not stated): gnomAD 0.00003; TOPMed 0.00005.
gnomAD v4.1: 6 of 1,614,070 alleles (0.00037%); highest among the groups gnomAD compares: African/African-American, 0.008%; no homozygotes.

Submission:

Labcorp Genetics (formerly Invitae), Labcorp
Classification: Uncertain significance for Glycogen storage disease IXb. Last evaluated: 2022-06-04. Review status: criteria provided, single submitter. Criteria: Invitae Variant Classification Sherloc (09022015). Collection method: clinical testing. Allele origin: germline.
Comment: This sequence change replaces phenylalanine, which is neutral and non-polar, with valine, which is neutral and non-polar, at codon 71 of the PHKB protein (p.Phe71Val). This variant is present in population databases (no rsID available, gnomAD 0.02%). This variant has not been reported in the literature in individuals affected with PHKB-related conditions. Algorithms developed to predict the effect of missense changes on protein structure and function are either unavailable or do not agree on the potential impact of this missense change (SIFT: "Deleterious"; PolyPhen-2: "Probably Damaging"; Align-GVGD: "Class C0"). In summary, the available evidence is currently insufficient to determine the role of this variant in disease. Therefore, it has been classified as a Variant of Uncertain Significance.

NM_000293.3(PHKB):c.211T>G (p.Phe71Val)

Genes: PHKB (phosphorylase kinase regulatory subunit beta; plus strand), LOC112449713 (Sharpr-MPRA regulatory region 10524; plus strand). Cytogenetic location: 16q12.1.
Variant type: single nucleotide variant.
Coding change: c.211T>G on transcript NM_000293.3 (MANE Select); coding-DNA position 211, T replaced by G.
Protein change: p.Phe71Val; replaces phenylalanine 71 with valine.
Molecular consequence: missense variant.
Genome position (GRCh38, 1-based): chr16:47,499,800, T>G. VCF-style: chr16-47499800-T-G. GRCh37 (hg19) VCF-style: chr16-47533711-T-G.
Other names: c.190T>G, p.Phe64Val (NM_001031835.3); c.211T>G, p.Phe71Val (NM_001363837.1); short protein forms F64V, F71V.
Identifiers: ClinVar variation 2181428 (VCV002181428.1), dbSNP rs1346017229, ClinGen allele CA396098616.